The following is an entry in ClinVar:

ClinVar aggregate classification (germline): Uncertain significance (1 of 4 stars; one submission).

Conditions:
Hereditary cancer-predisposing syndrome. Also called: Tumor predisposition; Hereditary neoplastic syndrome; Hereditary Cancer Syndrome; Neoplastic Syndromes, Hereditary. Identifiers: Orphanet 140162, MedGen C0027672, MeSH D009386, MONDO:0015356.

Submission:

Ambry Genetics
Classification: Uncertain significance for Hereditary cancer-predisposing syndrome. Last evaluated: 2025-10-03. Review status: criteria provided, single submitter. Criteria: Ambry Variant Classification Scheme 2023. Collection method: clinical testing. Allele origin: germline.
Comment: The c.1443_1445delCCTinsTCA variant (also known as p.L482Q), located in coding exon 11 of the POLD1 gene, results from an in-frame deletion of CCT and insertion of TCA at nucleotide positions 1443 to 1445. This results in the substitution of the leucine residue for a glutamine residue at codon 482, an amino acid with dissimilar properties. This amino acid position is highly conserved in available vertebrate species. In addition, this alteration is predicted to be deleterious by in silico analysis. Based on the available evidence, the clinical significance of this variant remains unclear.

NM_002691.4(POLD1):c.1443_1445delinsTCA (p.Leu482Gln)

Gene: POLD1 (DNA polymerase delta 1, catalytic subunit; plus strand). Cytogenetic location: 19q13.33.
Variant type: Indel.
Coding change: c.1443_1445delinsTCA on transcript NM_002691.4 (MANE Select); coding-DNA positions 1443 to 1445, CCT replaced by TCA.
Protein change: p.Leu482Gln; replaces leucine 482 with glutamine.
Molecular consequence: missense variant. On other transcripts: non-coding transcript variant (1).
Genome position (GRCh38, 1-based): chr19:50,406,466-50,406,468, CCT replaced by TCA. VCF-style: chr19-50406466-CCT-TCA. GRCh37 (hg19) VCF-style: chr19-50909723-CCT-TCA.
Other names: c.1443_1445delinsTCA, p.Leu482Gln (NM_001256849.1, NM_001308632.1); short protein forms L482Q.
Identifiers: ClinVar variation 3222696 (VCV003222696.2), dbSNP rs2513994986, ClinGen allele CA2825002819.